The following is an entry in ClinVar:

ClinVar aggregate classification (germline): Conflicting classifications of pathogenicity. Review status: criteria provided, conflicting classifications (1 of 4 stars). 3 submissions from 3 submitters: Uncertain significance (1); Likely benign (1). 1 of the submissions does not count toward it. Last evaluated 2025-02-16.

Conditions:
RASopathy. Also called: rasopathies; Noonan spectrum disorder. Identifiers: Orphanet 536391, MedGen C5555857, MONDO:0021060.
Costello syndrome (CSTLO). Also called: HRAS-Related Costello Syndrome; FACIOCUTANEOSKELETAL SYNDROME; FCS SYNDROME. Identifiers: Orphanet 3071, MedGen C0587248, MONDO:0009026, OMIM 218040.

Allele frequency attached by ClinVar (database versions not stated): gnomAD exomes below 0.00001 and 0.00001; gnomAD 0.00001; TOPMed 0.00001.
gnomAD v4.1: 23 of 1,613,478 alleles (0.0014%); highest among the groups gnomAD compares: South Asian, 0.0033%; no homozygotes.

Submissions (3):

Laboratory of Genetics, Children's Clinical University Hospital Latvia
Classification: Likely benign. Last evaluated: 2025-02-16. Review status: criteria provided, single submitter. Criteria: ACMG Guidelines, 2015. Collection method: clinical testing. Allele origin: germline. Affected: yes.

Labcorp Genetics (formerly Invitae), Labcorp
Classification: Uncertain significance for RASopathy. Last evaluated: 2024-04-03. Review status: criteria provided, single submitter. Criteria: Invitae Variant Classification Sherloc (09022015). Collection method: clinical testing. Allele origin: germline.
Comment: This sequence change replaces isoleucine, which is neutral and non-polar, with threonine, which is neutral and polar, at codon 554 of the BRAF protein (p.Ile554Thr). This variant is present in population databases (no rsID available, gnomAD 0.01%). This missense change has been observed in individual(s) with clinical features of cardiofaciocutaneous syndrome (Invitae). ClinVar contains an entry for this variant (Variation ID: 239870). Advanced modeling of protein sequence and biophysical properties (such as structural, functional, and spatial information, amino acid conservation, physicochemical variation, residue mobility, and thermodynamic stability) performed at Invitae indicates that this missense variant is not expected to disrupt BRAF protein function with a negative predictive value of 80%. In summary, the available evidence is currently insufficient to determine the role of this variant in disease. Therefore, it has been classified as a Variant of Uncertain Significance.

Service de Génétique Moléculaire, Hôpital Robert Debré
Classification: Likely benign for Costello syndrome. Review status: no assertion criteria provided. Collection method: clinical testing. Allele origin: paternal. Affected: no. Not counted in ClinVar's aggregate classification.

NM_004333.6(BRAF):c.1661T>C (p.Ile554Thr)

Gene: BRAF (B-Raf proto-oncogene, serine/threonine kinase; minus strand). Cytogenetic location: 7q34.
Variant type: single nucleotide variant.
Coding change: c.1661T>C on transcript NM_004333.6 (MANE Select); coding-DNA position 1661, T replaced by C.
Protein change: p.Ile554Thr; replaces isoleucine 554 with threonine.
Molecular consequence: missense variant.
Genome position (GRCh38, 1-based): chr7:140,776,945, A>G on the plus strand (T>C on the coding strand, the complement: BRAF is on the minus strand). VCF-style: chr7-140776945-A-G. GRCh37 (hg19) VCF-style: chr7-140476745-A-G.
Other names: c.1661T>C, p.Ile554Thr (NM_001354609.2, NM_001378468.1, NM_001378474.1); c.1781T>C, p.Ile594Thr (NM_001374244.1, NM_001374258.1); c.1670T>C, p.Ile557Thr (NM_001378467.1); c.1595T>C, p.Ile532Thr (NM_001378469.1); c.1559T>C, p.Ile520Thr (NM_001378470.1); c.1550T>C, p.Ile517Thr (NM_001378471.1); c.1505T>C, p.Ile502Thr (NM_001378472.1, NM_001378473.1); c.1397T>C, p.Ile466Thr (NM_001378475.1); short protein forms I554T, I466T, I502T, I517T, I520T, I532T, I557T, I594T.
Identifiers: ClinVar variation 239870 (VCV000239870.8), dbSNP rs878854675, ClinGen allele CA10582465.
Genomic context (GRCh38, chr7:140,776,945, plus strand): 5'-ACAAGACATTTAACGAATGGAACTTACTCCATGCCCTGTGCAGTCTGTCGTGCAATATCT[A>G]TAAGTTTGATCATCTCAAATTTGGTCTCAATGATATGGAGATGGTGATACAAGCTGGAGC-3'
Protein context (NP_004324.2, residues 544-564): IETKFEMIKL[Ile554Thr]DIARQTAQGM